The following is an entry in ClinVar:

NM_000525.4(KCNJ11):c.745A>G (p.Ile249Val)

Gene: KCNJ11 (potassium inwardly rectifying channel subfamily J member 11; minus strand). Cytogenetic location: 11p15.1.
Variant type: single nucleotide variant.
Coding change: c.745A>G on transcript NM_000525.4 (MANE Select); coding-DNA position 745, A replaced by G.
Protein change: p.Ile249Val; replaces isoleucine 249 with valine.
Molecular consequence: missense variant.
Genome position (GRCh38, 1-based): chr11:17,387,347, T>C on the plus strand (A>G on the coding strand, the complement: KCNJ11 is on the minus strand). VCF-style: chr11-17387347-T-C. GRCh37 (hg19) VCF-style: chr11-17408894-T-C.
Other names: c.484A>G, p.Ile162Val (NM_001166290.2, NM_001377296.1, NM_001377297.1); short protein forms I249V, I162V.
Identifiers: ClinVar variation 3716048 (VCV003716048.2).
Genomic context (GRCh38, chr11:17,387,347, plus strand): 5'-CGTAGAGTGGGCTGTTGGCATCAATGACATGGTAGATGATCAGCGGGGCCACCAGGAAGA[T>C]GCTGTTGCCACCCACGCCGTTCTCCATGGGGATGTCCACCTGGTGGAGGGGCACCACCTC-3'
Protein context (NP_000516.3, residues 239-259): PMENGVGGNS[Ile249Val]FLVAPLIIYH

ClinVar aggregate classification (germline): Uncertain significance (1 of 4 stars; one submission).

Submission:

Labcorp Genetics (formerly Invitae), Labcorp
Classification: Uncertain significance. Last evaluated: 2024-07-16. Review status: criteria provided, single submitter. Criteria: Invitae Variant Classification Sherloc (09022015). Collection method: clinical testing. Allele origin: germline.
Comment: This sequence change replaces isoleucine, which is neutral and non-polar, with valine, which is neutral and non-polar, at codon 249 of the KCNJ11 protein (p.Ile249Val). This variant is present in population databases (rs375200088, gnomAD 0.007%). This variant has not been reported in the literature in individuals affected with KCNJ11-related conditions. Advanced modeling of protein sequence and biophysical properties (such as structural, functional, and spatial information, amino acid conservation, physicochemical variation, residue mobility, and thermodynamic stability) has been performed at Invitae for this missense variant, however the output from this modeling did not meet the statistical confidence thresholds required to predict the impact of this variant on KCNJ11 protein function. In summary, the available evidence is currently insufficient to determine the role of this variant in disease. Therefore, it has been classified as a Variant of Uncertain Significance.